The following is an entry in ClinVar:

NM_003073.4(SMARCB1):c.987-?_*338dup510

Genes: DERL3 (derlin 3; minus strand), SMARCB1 (SWI/SNF related BAF chromatin remodeling complex subunit B1; plus strand). Cytogenetic location: 22q11.23.
Variant type: Duplication.
Coding change: c.987-?_*338dup510 on transcript NM_003073.4.
Other names: c.987-?_*338+?dup (LRG_520t1).
Identifiers: ClinVar variation 239486 (VCV000239486.1).

ClinVar aggregate classification (germline): Uncertain significance (1 of 4 stars; one submission).

Conditions:
Rhabdoid tumor predisposition syndrome 1 (RTPS1). Also called: Familial Posterior Fossa Brain Tumor of Infancy. Identifiers: Orphanet 231108, Orphanet 69077, MedGen C1836327, MONDO:0012252, OMIM 609322.
Schwannomatosis (SWNTS1). Identifiers: Orphanet 93921, MedGen C1335929, MeSH C536641, MONDO:0008075.

Submission:

Labcorp Genetics (formerly Invitae), Labcorp
Classification: Uncertain significance for Rhabdoid tumor predisposition syndrome 1; Schwannomatosis. Last evaluated: 2016-06-05. Review status: criteria provided, single submitter. Criteria: Invitae Variant Classification Sherloc (09022015). Collection method: clinical testing. Allele origin: germline.
Comment: This variant is a gross duplication of the genomic region encompassing exons 8-9 of the SMARCB1 gene. The 5' boundary is likely confined to intron 7. The 3' end of this event is unknown as it extends beyond the assayed region for this gene and therefore may encompass additional genes. This particular duplication has not been reported in the literature. The impact of this duplication on SMARCB1 protein function and related disease is unknown, therefore it has been classified as a Variant of Uncertain Significance.